The following is an entry in ClinVar:

NM_003119.4(SPG7):c.1018A>G (p.Lys340Glu)

Gene: SPG7 (SPG7 matrix AAA peptidase subunit, paraplegin; plus strand). Cytogenetic location: 16q24.3.
Variant type: single nucleotide variant.
Coding change: c.1018A>G on transcript NM_003119.4 (MANE Select); coding-DNA position 1018, A replaced by G.
Protein change: p.Lys340Glu; replaces lysine 340 with glutamic acid.
Molecular consequence: missense variant.
Genome position (GRCh38, 1-based): chr16:89,531,934, A>G. VCF-style: chr16-89531934-A-G. GRCh37 (hg19) VCF-style: chr16-89598342-A-G.
Other names: c.1018A>G, p.Lys340Glu (NM_001363850.1, NM_199367.3); short protein forms K340E.
Identifiers: ClinVar variation 1052693 (VCV001052693.9), dbSNP rs375684876, ClinGen allele CA8243908.

ClinVar aggregate classification (germline): Uncertain significance (1 of 4 stars; one submission).

Conditions:
Hereditary spastic paraplegia 7 (SPG7). Also called: SPASTIC PARAPLEGIA 7, AUTOSOMAL RECESSIVE, WITH OR WITHOUT CEREBELLAR ATAXIA; Spastic paraplegia 7; Hereditary spastic paraplegia Paraplegin type; Autosomal recessive spastic paraplegia type 7; SPG7-related neurologic disorder. Identifiers: Orphanet 99013, MedGen C1846564, MONDO:0011803, OMIM 607259.

Allele frequency attached by ClinVar (database versions not stated): gnomAD exomes below 0.00001; TOPMed below 0.00001; ExAC 0.00001; gnomAD 0.00001; ESP Exome Variant Server 0.00008.

Submission:

Labcorp Genetics (formerly Invitae), Labcorp
Classification: Uncertain significance for Hereditary spastic paraplegia 7. Last evaluated: 2025-10-02. Review status: criteria provided, single submitter. Criteria: Invitae Variant Classification Sherloc (09022015). Collection method: clinical testing. Allele origin: germline.
Comment: This sequence change replaces lysine, which is basic and polar, with glutamic acid, which is acidic and polar, at codon 340 of the SPG7 protein (p.Lys340Glu). This variant is present in population databases (rs375684876, gnomAD 0.0009%). This variant has not been reported in the literature in individuals affected with SPG7-related conditions. ClinVar contains an entry for this variant (Variation ID: 1052693). Invitae Evidence Modeling of protein sequence and biophysical properties (such as structural, functional, and spatial information, amino acid conservation, physicochemical variation, residue mobility, and thermodynamic stability) indicates that this missense variant is expected to disrupt SPG7 protein function with a positive predictive value of 80%. In summary, the available evidence is currently insufficient to determine the role of this variant in disease. Therefore, it has been classified as a Variant of Uncertain Significance.